The following is an entry in ClinVar:

NM_000459.5(TEK):c.2228G>C (p.Gly743Ala)

Gene: TEK (TEK receptor tyrosine kinase; plus strand). Cytogenetic location: 9p21.2.
Variant type: single nucleotide variant.
Coding change: c.2228G>C on transcript NM_000459.5 (MANE Select); coding-DNA position 2228, G replaced by C.
Protein change: p.Gly743Ala; replaces glycine 743 with alanine.
Molecular consequence: missense variant.
Genome position (GRCh38, 1-based): chr9:27,204,929, G>C. VCF-style: chr9-27204929-G-C. GRCh37 (hg19) VCF-style: chr9-27204927-G-C.
Other names: p.Gly743Ala; c.2228G>C (NM_000459.4); c.2099G>C, p.Gly700Ala (NM_001290077.2, NM_001375476.1); c.1787G>C, p.Gly596Ala (NM_001290078.2); c.2228G>C, p.Gly743Ala (NM_001375475.1); short protein forms G743A, G700A, G596A.
Identifiers: ClinVar variation 376738 (VCV000376738.11), dbSNP rs202131936, ClinGen allele CA5016449.

ClinVar aggregate classification (germline): Benign/Likely benign. Review status: criteria provided, multiple submitters, no conflicts (2 of 4 stars). 4 submissions from 4 submitters: Benign (2); Likely benign (2). Last evaluated 2026-03-22.

Conditions:
TEK-related disorder. Also called: TEK-related condition.

Allele frequency attached by ClinVar (database versions not stated): ESP Exome Variant Server 0.00015; TOPMed 0.00023; 1000 Genomes Project 0.00060; 1000 Genomes Project 30x 0.00094.
gnomAD v4.1: 262 of 1,613,984 alleles (0.016%); highest among the groups gnomAD compares: South Asian, 0.1%; 2 homozygotes.

Submissions (4):

PreventionGenetics, part of Exact Sciences
Classification: Likely benign for TEK-related condition. Last evaluated: 2026-03-22. Review status: criteria provided, single submitter. Criteria: ACMG Guidelines, 2015. Collection method: clinical testing. Allele origin: germline.
Comment: This variant is classified as likely benign based on ACMG/AMP sequence variant interpretation guidelines (Richards et al. 2015 PMID: 25741868, with internal and published modifications).

Mayo Clinic Laboratories, Mayo Clinic
Classification: Likely benign. Last evaluated: 2025-10-09. Review status: criteria provided, single submitter. Criteria: ACMG Guidelines, 2015. Collection method: clinical testing. Allele origin: germline. Observed: 1 variant allele.
Comment: BS1, BP4

Labcorp Genetics (formerly Invitae), Labcorp
Classification: Benign. Last evaluated: 2025-06-18. Review status: criteria provided, single submitter. Criteria: Invitae Variant Classification Sherloc (09022015). Collection method: clinical testing. Allele origin: germline.

Mendelics
Classification: Benign. Last evaluated: 2022-05-04. Review status: criteria provided, single submitter. Criteria: Mendelics Assertion Criteria 2019. Collection method: clinical testing. Allele origin: germline.

Literature cited by the submitters: PubMed 28620713 (cited by Mayo Clinic Laboratories, Mayo Clinic); PubMed 31589614 (cited by Mayo Clinic Laboratories, Mayo Clinic); PubMed 35011756 (cited by Mayo Clinic Laboratories, Mayo Clinic).